The following is an entry in ClinVar:

NM_000492.4(CFTR):c.3368-2A>T

Genes: CFTR (CF transmembrane conductance regulator; plus strand), CFTR-AS2 (CFTR antisense RNA 2; minus strand). Cytogenetic location: 7q31.2.
Variant type: single nucleotide variant.
Coding change: c.3368-2A>T on transcript NM_000492.4 (MANE Select); the canonical splice acceptor site of the intron before coding-DNA position 3368, A replaced by T.
Molecular consequence: splice acceptor variant.
Genome position (GRCh38, 1-based): chr7:117,614,611, A>T. VCF-style: chr7-117614611-A-T. GRCh37 (hg19) VCF-style: chr7-117254665-A-T.
Identifiers: ClinVar variation 371331 (VCV000371331.9), dbSNP rs755416052, ClinGen allele CA4451451.
Genomic context (GRCh38, chr7:117,614,611, plus strand): 5'-AAAGTCGTTCACAGAAGAGAGAAATAACATGAGGTTCATTTACGTCTTTTGTGCATCTAT[A>T]GGAGAAGGAGAAGGAAGAGTTGGTATTATCCTGACTTTAGCCATGAATATCATGAGTACA-3'

ClinVar aggregate classification (germline): Pathogenic/Likely pathogenic. Review status: criteria provided, multiple submitters, no conflicts (2 of 4 stars). 6 submissions from 5 submitters: Pathogenic (4); Likely pathogenic (1). 1 of the submissions does not count toward it. Last evaluated 2025-08-06.

Conditions:
CFTR-related disorder (CFTR-RD). Also called: CFTR-related condition; CFTR-related disorders. Identifiers: MedGen C5924204, MONDO:7770004.
Bronchiectasis with or without elevated sweat chloride 1 (BESC1). Also called: Cystic Fibrosis-Like Syndrome. Identifiers: Orphanet 60033, MedGen C2749757, MONDO:0008887, OMIM 211400.
Cystic fibrosis (CF). Also called: MUCOVISCIDOSIS. Identifiers: Orphanet 586, MedGen C0010674, MONDO:0009061, OMIM 219700. Disease mechanism: loss of function.
Congenital bilateral aplasia of vas deferens from CFTR mutation (CBAVD). Identifiers: Orphanet 48, MedGen C0403814, MONDO:0010178, OMIM 277180. Disease mechanism: loss of function.

gnomAD v4.1: 1 of 1,594,472 alleles (0.000063%); highest among the groups gnomAD compares: Admixed American, 0.0017%; no homozygotes.

Submissions (6):

Natera, Inc.
Classification: Pathogenic for CFTR-related disorders. Last evaluated: 2025-08-06. Review status: criteria provided, single submitter. Criteria: Natera Variant Classification Schema (03/2026). Collection method: clinical testing. Allele origin: germline.
Comment: The c.3368-2A>T variant in CFTR is a canonical splice acceptor site variant predicted to affect pre-mRNA splicing, which may result in an abnormal transcript and altered protein product. This variant is expected to result in nonsense mediated decay, truncation, or a dysfunctional protein product. This variant is rare in the general population with a frequency below the threshold expected for the associated phenotype(s). This variant has been observed in one or more individuals affected with the associated recessive disease, as either homozygous or compound heterozygous with a second variant (PMID: 11668613, 17890437). Another variant at this same site results in an alteration predicted to cause a similar molecular effect has been observed in individual(s) with the associated phenotype. Given the available evidence, this variant is classified as Pathogenic.

Baylor Genetics
Classification: Pathogenic for Bronchiectasis with or without elevated sweat chloride 1. Last evaluated: 2023-10-03. Review status: criteria provided, single submitter. Criteria: ACMG Guidelines, 2015. Collection method: clinical testing. Allele origin: unknown.

Women's Health and Genetics/Laboratory Corporation of America, LabCorp
Classification: Likely pathogenic for Cystic fibrosis. Last evaluated: 2023-06-19. Review status: criteria provided, single submitter. Criteria: LabCorp Variant Classification Summary - May 2015. Collection method: clinical testing. Allele origin: germline.
Comment: Variant summary: CFTR c.3368-2A>T is located in a canonical splice-site and is predicted to affect mRNA splicing resulting in a significantly altered protein due to either exon skipping, shortening, or inclusion of intronic material. Several computational tools predict a significant impact on normal splicing: four predict the variant abolishes a 3' acceptor site, and two predict the variant creates a 3' acceptor site. However, these predictions have yet to be confirmed by functional studies. The variant allele was found at a frequency of 4e-06 in 250888 control chromosomes (gnomAD v2.1, Exomes dataset). c.3368-2A>T has been reported in the literature in individuals affected with Cystic Fibrosis (e.g., Wong_2001, Schrijver_2005, Montgomery_2007, Zahav_2023). These data suggest the variant may be associated with disease. To our knowledge, no experimental evidence demonstrating an impact on protein function has been reported. The following publications have been ascertained in the context of this evaluation (PMID: 17890437, 15858154, 11668613, 35934641). Two submitters have reported clinical-significance assessments for this variant to ClinVar after 2014. Both submitters classified the variant as pathogenic (n = 1) or likely pathogenic (n = 1). Based on the evidence outlined above, the variant was classified as likely pathogenic.

Ambry Genetics
Classification: Pathogenic for Cystic fibrosis. Last evaluated: 2017-06-26. Review status: criteria provided, single submitter. Criteria: Ambry Variant Classification Scheme 2023. Collection method: clinical testing. Allele origin: germline.
Comment: The c.3368-2A>T intronic pathogenic mutation results from an A to T substitution two nucleotides upstream from coding exon 21 in the CFTR gene. This mutation was identified in an individual with cystic fibrosis with elevated sweat chloride levels and meconium ileus at birth, reduced lung function, Pseudomonas infection, pancreatic insufficiency, and a second CFTR alteration (Wong LJ et al. Hum. Mutat., 2001 Oct;18:296-307). In addition to the clinical data presented in the literature, alterations that disrupt the canonical splice site are expected to cause aberrant splicing, resulting in an abnormal protein or a transcript that is subject to nonsense-mediated mRNA decay. As such, this alteration is classified as a disease-causing mutation.

Baylor Genetics
Classification: Pathogenic for Congenital bilateral aplasia of vas deferens from CFTR mutation; Cystic fibrosis. Review status: criteria provided, single submitter. Criteria: ACMG Guidelines, 2015. Collection method: clinical testing. Allele origin: germline.

Counsyl
Classification: Likely pathogenic for Cystic fibrosis. Last evaluated: 2016-09-01. Review status: no assertion criteria provided. Collection method: clinical testing. Allele origin: unknown. Not counted in ClinVar's aggregate classification.

Literature cited by the submitters: PubMed 11668613 (cited by 4 submitters); PubMed 17890437 (cited by Natera, Inc. and Women's Health and Genetics/Laboratory Corporation of America, LabCorp); PubMed 15858154 (cited by Women's Health and Genetics/Laboratory Corporation of America, LabCorp); PubMed 35934641 (cited by Women's Health and Genetics/Laboratory Corporation of America, LabCorp).